The following is an entry in ClinVar:

NM_001363118.2(SLC52A2):c.279_283del (p.Leu94fs)

Gene: SLC52A2 (solute carrier family 52 member 2; plus strand). Cytogenetic location: 8q24.3.
Variant type: Deletion.
Coding change: c.279_283del on transcript NM_001363118.2 (MANE Select); coding-DNA positions 279 to 283, 5 bases deleted (CCTGC; older notation c.279_283delCCTGC).
Protein change: p.Leu94fs; shifts the reading frame from leucine 94.
Molecular consequence: frameshift variant. On other transcripts: non-coding transcript variant (1), intron variant (1).
Genome position (GRCh38, 1-based): chr8:144,359,771-144,359,775, CCTGC deleted; deleting any 5 consecutive bases within chr8:144,359,769-144,359,775 gives the same sequence; the c. name uses the placement nearest the transcript's 3' end. VCF-style (leftmost placement, unchanged base first): chr8-144359768-AGCCCT-A. GRCh37 (hg19) VCF-style: chr8-145583428-AGCCCT-A.
Other names: c.279_283del, p.Leu94fs (NM_001253815.2, NM_001253816.2, NM_001363120.2 and 2 more transcripts); c.131-344_131-340del (NM_001363122.2); short protein forms L94fs.
Identifiers: ClinVar variation 1458358 (VCV001458358.6), dbSNP rs2130638836, ClinGen allele CA2573142996.

ClinVar aggregate classification (germline): Pathogenic (1 of 4 stars; one submission).

Conditions:
Brown-Vialetto-van Laere syndrome 2. Also called: Riboflavin transporter deficiency type 2; SPINOCEREBELLAR ATAXIA WITH BLINDNESS AND DEAFNESS 2. Identifiers: Orphanet 572543, Orphanet 97229, MedGen C3553538, MONDO:0013867, OMIM 614707.

Submission:

Labcorp Genetics (formerly Invitae), Labcorp
Classification: Pathogenic for Brown-Vialetto-van Laere syndrome 2. Last evaluated: 2021-09-03. Review status: criteria provided, single submitter. Criteria: Invitae Variant Classification Sherloc (09022015). Collection method: clinical testing. Allele origin: germline.
Comment: For these reasons, this variant has been classified as Pathogenic. This variant has not been reported in the literature in individuals affected with SLC52A2-related conditions. This variant is not present in population databases (ExAC no frequency). This sequence change creates a premature translational stop signal (p.Leu94Glyfs*94) in the SLC52A2 gene. It is expected to result in an absent or disrupted protein product. Loss-of-function variants in SLC52A2 are known to be pathogenic (PMID: 24253200).

Literature cited by the submitters: PubMed 24253200.